The following is an entry in ClinVar:

ClinVar aggregate classification (germline): Uncertain significance. Review status: criteria provided, multiple submitters, no conflicts (2 of 4 stars). 2 submissions from 2 submitters: Uncertain significance (2). Last evaluated 2026-07-06.

Conditions:
DICER1-related tumor predisposition. Also called: DICER1 syndrome; DICER1-related pleuropulmonary blastoma cancer predisposition syndrome. Identifiers: Orphanet 284343, MedGen C3839822, MONDO:0100216.
Hereditary cancer-predisposing syndrome. Also called: Neoplastic Syndromes, Hereditary; Hereditary Cancer Syndrome; Hereditary neoplastic syndrome; Tumor predisposition. Identifiers: Orphanet 140162, MedGen C0027672, MeSH D009386, MONDO:0015356.

Submissions (2):

Ambry Genetics
Classification: Uncertain significance for Hereditary cancer-predisposing syndrome. Last evaluated: 2026-07-06. Review status: criteria provided, single submitter. Criteria: Ambry Variant Classification Scheme 2023. Collection method: clinical testing. Allele origin: germline.
Comment: The p.E217V variant (also known as c.650A>T), located in coding exon 5 of the DICER1 gene, results from an A to T substitution at nucleotide position 650. The glutamic acid at codon 217 is replaced by valine, an amino acid with dissimilar properties. This amino acid position is conserved. In addition, this alteration is predicted to be tolerated by in silico analysis. Based on the available evidence, the clinical significance of this variant remains unclear.

Labcorp Genetics (formerly Invitae), Labcorp
Classification: Uncertain significance for DICER1-related tumor predisposition. Last evaluated: 2024-04-01. Review status: criteria provided, single submitter. Criteria: Invitae Variant Classification Sherloc (09022015). Collection method: clinical testing. Allele origin: germline.
Comment: This sequence change replaces glutamic acid, which is acidic and polar, with valine, which is neutral and non-polar, at codon 217 of the DICER1 protein (p.Glu217Val). This variant is not present in population databases (gnomAD no frequency). This variant has not been reported in the literature in individuals affected with DICER1-related conditions. ClinVar contains an entry for this variant (Variation ID: 571042). Advanced modeling of protein sequence and biophysical properties (such as structural, functional, and spatial information, amino acid conservation, physicochemical variation, residue mobility, and thermodynamic stability) performed at Invitae indicates that this missense variant is not expected to disrupt DICER1 protein function with a negative predictive value of 80%. In summary, the available evidence is currently insufficient to determine the role of this variant in disease. Therefore, it has been classified as a Variant of Uncertain Significance.

NM_177438.3(DICER1):c.650A>T (p.Glu217Val)

Gene: DICER1 (dicer 1, ribonuclease III; minus strand). Cytogenetic location: 14q32.13.
Variant type: single nucleotide variant.
Coding change: c.650A>T on transcript NM_177438.3 (MANE Select); coding-DNA position 650, A replaced by T.
Protein change: p.Glu217Val; replaces glutamic acid 217 with valine.
Molecular consequence: missense variant.
Genome position (GRCh38, 1-based): chr14:95,129,556, T>A on the plus strand (A>T on the coding strand, the complement: DICER1 is on the minus strand). VCF-style: chr14-95129556-T-A. GRCh37 (hg19) VCF-style: chr14-95595893-T-A.
Other names: c.650A>T, p.Glu217Val (NM_001195573.1, NM_001271282.3, NM_001291628.2 and 1 more transcripts); short protein forms E217V.
Identifiers: ClinVar variation 571042 (VCV000571042.13), dbSNP rs1566810624, ClinGen allele CA390888145.